The following is an entry in ClinVar:

NM_212482.4(FN1):c.3083G>A (p.Arg1028Gln)

Gene: FN1 (fibronectin 1; minus strand). Cytogenetic location: 2q35.
Variant type: single nucleotide variant.
Coding change: c.3083G>A on transcript NM_212482.4 (MANE Select); coding-DNA position 3083, G replaced by A.
Protein change: p.Arg1028Gln; replaces arginine 1028 with glutamine.
Molecular consequence: missense variant.
Genome position (GRCh38, 1-based): chr2:215,404,559, C>T on the plus strand (G>A on the coding strand, the complement: FN1 is on the minus strand). VCF-style: chr2-215404559-C-T. GRCh37 (hg19) VCF-style: chr2-216269282-C-T.
Other names: c.3083G>A, p.Arg1028Gln (NM_001306129.2, NM_001306130.2, NM_001306131.2 and 13 more transcripts); c.3083G>A (NM_212482.1); short protein forms R1028Q.
Identifiers: ClinVar variation 1492983 (VCV001492983.9), dbSNP rs1189574802, ClinGen allele CA350489398.

ClinVar aggregate classification (germline): Uncertain significance. Review status: criteria provided, multiple submitters, no conflicts (2 of 4 stars). 2 submissions from 2 submitters: Uncertain significance (2). Last evaluated 2025-08-21.

Conditions:
Inborn genetic diseases. Identifiers: MedGen C0950123, MeSH D030342.

Submissions (2):

Ambry Genetics
Classification: Uncertain significance for Inborn genetic diseases. Last evaluated: 2025-08-21. Review status: criteria provided, single submitter. Criteria: Ambry Variant Classification Scheme 2023. Collection method: clinical testing. Allele origin: germline.

Labcorp Genetics (formerly Invitae), Labcorp
Classification: Uncertain significance. Last evaluated: 2024-10-25. Review status: criteria provided, single submitter. Criteria: Invitae Variant Classification Sherloc (09022015). Collection method: clinical testing. Allele origin: germline.
Comment: This sequence change replaces arginine, which is basic and polar, with glutamine, which is neutral and polar, at codon 1028 of the FN1 protein (p.Arg1028Gln). This variant is present in population databases (no rsID available, gnomAD 0.006%). This variant has not been reported in the literature in individuals affected with FN1-related conditions. ClinVar contains an entry for this variant (Variation ID: 1492983). An algorithm developed to predict the effect of missense changes on protein structure and function outputs the following: PolyPhen-2: "Benign". The glutamine amino acid residue is found in multiple mammalian species, which suggests that this missense change does not adversely affect protein function. In summary, the available evidence is currently insufficient to determine the role of this variant in disease. Therefore, it has been classified as a Variant of Uncertain Significance.